The following is an entry in ClinVar:

NM_004453.4(ETFDH):c.1433T>A (p.Leu478Ter)

Gene: ETFDH (electron transfer flavoprotein dehydrogenase; plus strand). Cytogenetic location: 4q32.1.
Variant type: single nucleotide variant.
Coding change: c.1433T>A on transcript NM_004453.4 (MANE Select); coding-DNA position 1433, T replaced by A.
Protein change: p.Leu478Ter; replaces leucine 478 with a stop codon.
Molecular consequence: nonsense.
Genome position (GRCh38, 1-based): chr4:158,706,336, T>A. VCF-style: chr4-158706336-T-A. GRCh37 (hg19) VCF-style: chr4-159627488-T-A.
Other names: c.1292T>A, p.Leu431Ter (NM_001281737.2); c.1250T>A, p.Leu417Ter (NM_001281738.1); short protein forms L431*, L478*, L417*.
Identifiers: ClinVar variation 1451429 (VCV001451429.6), dbSNP rs2126315337, ClinGen allele CA358564571.

ClinVar aggregate classification (germline): Pathogenic (1 of 4 stars; one submission).

Conditions:
Multiple acyl-CoA dehydrogenase deficiency (MADD). Also called: ETHYLMALONIC-ADIPICACIDURIA; GA II; Glutaric acidemia type II; GA 2; Glutaric Acidemia type 2; Glutaric aciduria, type 2. Identifiers: Orphanet 26791, MedGen C0268596, MONDO:0009282, OMIM 231680.

Allele frequency attached by ClinVar (database versions not stated): gnomAD exomes below 0.00001.
gnomAD v4.1: 1 of 1,613,578 alleles (0.000062%); highest among the groups gnomAD compares: Non-Finnish European, 0.000085%; no homozygotes.

Submission:

Labcorp Genetics (formerly Invitae), Labcorp
Classification: Pathogenic for Multiple acyl-CoA dehydrogenase deficiency. Last evaluated: 2021-05-08. Review status: criteria provided, single submitter. Criteria: Invitae Variant Classification Sherloc (09022015). Collection method: clinical testing. Allele origin: germline.
Comment: For these reasons, this variant has been classified as Pathogenic. Algorithms developed to predict the effect of sequence changes on RNA splicing suggest that this variant may create or strengthen a splice site, but this prediction has not been confirmed by published transcriptional studies. This variant has not been reported in the literature in individuals with ETFDH-related conditions. This variant is not present in population databases (ExAC no frequency). This sequence change creates a premature translational stop signal (p.Leu478*) in the ETFDH gene. It is expected to result in an absent or disrupted protein product. Loss-of-function variants in ETFDH are known to be pathogenic (PMID: 16510302, 23785301).

Literature cited by the submitters: PubMed 16510302; PubMed 23785301.